The following is an entry in ClinVar:

NM_004360.5(CDH1):c.1689C>A (p.Ala563=)

Gene: CDH1 (cadherin 1; plus strand). Cytogenetic location: 16q22.1.
Variant type: single nucleotide variant.
Coding change: c.1689C>A on transcript NM_004360.5 (MANE Select); coding-DNA position 1689, C replaced by A.
Protein change: p.Ala563=; no amino-acid change (alanine 563 retained).
Molecular consequence: synonymous variant. On other transcripts: intron variant (1).
Genome position (GRCh38, 1-based): chr16:68,819,403, C>A. VCF-style: chr16-68819403-C-A. GRCh37 (hg19) VCF-style: chr16-68853306-C-A.
Other names: c.1506C>A, p.Ala502= (NM_001317184.2); c.141C>A, p.Ala47= (NM_001317185.2); c.-254-2598C>A (NM_001317186.2); c.1689C>A (LRG_301t1).
Identifiers: ClinVar variation 219975 (VCV000219975.20), dbSNP rs587780786, ClinGen allele CA349930.

ClinVar aggregate classification (germline): Benign/Likely benign. Review status: criteria provided, multiple submitters, no conflicts (2 of 4 stars). 5 submissions from 5 submitters: Benign (1); Likely benign (4). Last evaluated 2024-09-19.

Conditions:
Hereditary cancer-predisposing syndrome. Also called: Tumor predisposition; Neoplastic Syndromes, Hereditary; Hereditary Cancer Syndrome; Hereditary neoplastic syndrome. Identifiers: Orphanet 140162, MedGen C0027672, MeSH D009386, MONDO:0015356.
Hereditary diffuse gastric adenocarcinoma (HDGC). Also called: DIFFUSE GASTRIC AND LOBULAR BREAST CANCER SYNDROME. Identifiers: Orphanet 26106, MedGen C1708349, MONDO:0007648, OMIM 137215.

gnomAD v4.1: 6 of 1,613,676 alleles (0.00037%); highest among the groups gnomAD compares: Non-Finnish European, 0.00051%; no homozygotes.

Submissions (5):

Myriad Genetics, Inc.
Classification: Benign for Hereditary diffuse gastric adenocarcinoma. Last evaluated: 2024-09-19. Review status: criteria provided, single submitter. Criteria: Myriad Autosomal Dominant, Autosomal Recessive and X-Linked Classification Criteria (2023). Collection method: clinical testing. Allele origin: unknown.
Comment: This variant is considered benign. This variant is a silent/synonymous amino acid change and it is not expected to impact splicing.

Color Diagnostics, LLC DBA Color Health
Classification: Likely benign for Hereditary cancer-predisposing syndrome. Last evaluated: 2023-12-04. Review status: criteria provided, single submitter. Criteria: ACMG Guidelines, 2015. Collection method: clinical testing. Allele origin: germline.

Labcorp Genetics (formerly Invitae), Labcorp
Classification: Likely benign for Hereditary diffuse gastric adenocarcinoma. Last evaluated: 2023-10-17. Review status: criteria provided, single submitter. Criteria: Invitae Variant Classification Sherloc (09022015). Collection method: clinical testing. Allele origin: germline.

Blueprint Genetics
Classification: Likely benign. Last evaluated: 2020-10-20. Review status: criteria provided, single submitter. Criteria: ACMG Guidelines, 2015. Collection method: clinical testing. Allele origin: germline.

Ambry Genetics
Classification: Likely benign for Hereditary cancer-predisposing syndrome. Last evaluated: 2016-11-08. Review status: criteria provided, single submitter. Criteria: Ambry Variant Classification Scheme 2023. Collection method: clinical testing. Allele origin: germline.